The following is an entry in ClinVar:

NM_014704.4(CEP104):c.535G>A (p.Glu179Lys)

Gene: CEP104 (centrosomal protein 104; minus strand). Cytogenetic location: 1p36.32.
Variant type: single nucleotide variant.
Coding change: c.535G>A on transcript NM_014704.4 (MANE Select); coding-DNA position 535, G replaced by A.
Protein change: p.Glu179Lys; replaces glutamic acid 179 with lysine.
Molecular consequence: missense variant.
Genome position (GRCh38, 1-based): chr1:3,844,938, C>T on the plus strand (G>A on the coding strand, the complement: CEP104 is on the minus strand). VCF-style: chr1-3844938-C-T. GRCh37 (hg19) VCF-style: chr1-3761502-C-T.
Other names: c.535G>A (NM_014704.3); short protein forms E179K.
Identifiers: ClinVar variation 1507925 (VCV001507925.7), dbSNP rs765557028, ClinGen allele CA551937.

ClinVar aggregate classification (germline): Uncertain significance. Review status: criteria provided, multiple submitters, no conflicts (2 of 4 stars). 2 submissions from 2 submitters: Uncertain significance (2). Last evaluated 2024-06-16.

Conditions:
Inborn genetic diseases. Identifiers: MedGen C0950123, MeSH D030342.
Joubert syndrome 25 (JBTS25). Identifiers: Orphanet 475, MedGen C4084842, MONDO:0014770, OMIM 616781.

Allele frequency attached by ClinVar (database versions not stated): gnomAD 0.00002 and 0.00004; TOPMed 0.00003; gnomAD exomes 0.00004 and 0.00006; ExAC 0.00007.

Submissions (2):

Ambry Genetics
Classification: Uncertain significance for Inborn genetic diseases. Last evaluated: 2024-06-16. Review status: criteria provided, single submitter. Criteria: Ambry Variant Classification Scheme 2023. Collection method: clinical testing. Allele origin: germline.

Labcorp Genetics (formerly Invitae), Labcorp
Classification: Uncertain significance for Joubert syndrome 25. Last evaluated: 2022-02-05. Review status: criteria provided, single submitter. Criteria: Invitae Variant Classification Sherloc (09022015). Collection method: clinical testing. Allele origin: germline.
Comment: In summary, the available evidence is currently insufficient to determine the role of this variant in disease. Therefore, it has been classified as a Variant of Uncertain Significance. Algorithms developed to predict the effect of missense changes on protein structure and function (SIFT, PolyPhen-2, Align-GVGD) all suggest that this variant is likely to be tolerated. This variant has not been reported in the literature in individuals affected with CEP104-related conditions. This variant is present in population databases (rs765557028, gnomAD 0.02%). This sequence change replaces glutamic acid, which is acidic and polar, with lysine, which is basic and polar, at codon 179 of the CEP104 protein (p.Glu179Lys).